The following is an entry in ClinVar:

NM_003070.5(SMARCA2):c.2053G>T (p.Val685Leu)

Gene: SMARCA2 (SWI/SNF related BAF chromatin remodeling complex subunit ATPase 2; plus strand). Cytogenetic location: 9p24.3.
Variant type: single nucleotide variant.
Coding change: c.2053G>T on transcript NM_003070.5 (MANE Select); coding-DNA position 2053, G replaced by T.
Protein change: p.Val685Leu; replaces valine 685 with leucine.
Molecular consequence: missense variant.
Genome position (GRCh38, 1-based): chr9:2,077,645, G>T. VCF-style: chr9-2077645-G-T. GRCh37 (hg19) VCF-style: chr9-2077645-G-T.
Other names: c.2053G>T, p.Val685Leu (NM_139045.4, NM_001289396.2, NM_001289397.2); short protein forms V685L.
Identifiers: ClinVar variation 3624995 (VCV003624995.2).

ClinVar aggregate classification (germline): Uncertain significance (1 of 4 stars; one submission).

gnomAD v4.1: 1 of 1,613,850 alleles (0.000062%); highest among the groups gnomAD compares: Admixed American, 0.0017%; no homozygotes.

Submission:

Labcorp Genetics (formerly Invitae), Labcorp
Classification: Uncertain significance. Last evaluated: 2024-09-06. Review status: criteria provided, single submitter. Criteria: Invitae Variant Classification Sherloc (09022015). Collection method: clinical testing. Allele origin: germline.
Comment: This sequence change replaces valine, which is neutral and non-polar, with leucine, which is neutral and non-polar, at codon 685 of the SMARCA2 protein (p.Val685Leu). The frequency data for this variant in the population databases is considered unreliable, as metrics indicate poor data quality at this position in the gnomAD database. This variant has not been reported in the literature in individuals affected with SMARCA2-related conditions. Invitae Evidence Modeling of protein sequence and biophysical properties (such as structural, functional, and spatial information, amino acid conservation, physicochemical variation, residue mobility, and thermodynamic stability) indicates that this missense variant is not expected to disrupt SMARCA2 protein function with a negative predictive value of 80%. In summary, the available evidence is currently insufficient to determine the role of this variant in disease. Therefore, it has been classified as a Variant of Uncertain Significance.